The following is an entry in ClinVar:

ClinVar aggregate classification (germline): Conflicting classifications of pathogenicity. Review status: criteria provided, conflicting classifications (1 of 4 stars). 3 submissions from 3 submitters: Uncertain significance (1); Benign (1). 1 of the submissions does not count toward it. Last evaluated 2026-07-27.

Conditions:
Rhabdoid tumor predisposition syndrome 2 (RTPS2). Identifiers: Orphanet 231108, Orphanet 69077, MedGen C2750074, MONDO:0013224, OMIM 613325.
SMARCA4-related disorder. Also called: SMARCA4-related condition.

Allele frequency attached by ClinVar (database versions not stated): gnomAD exomes 0.00001; TOPMed 0.00002; gnomAD 0.00003; ExAC 0.00001.
gnomAD v4.1: 23 of 1,613,728 alleles (0.0014%); highest among the groups gnomAD compares: Admixed American, 0.0067%; no homozygotes.

Submissions (3):

Myriad Genetics, Inc.
Classification: Benign for Rhabdoid tumor predisposition syndrome 2. Last evaluated: 2026-07-27. Review status: criteria provided, single submitter. Criteria: Myriad Autosomal Dominant, Autosomal Recessive and X-Linked Classification Criteria (2023). Collection method: clinical testing. Allele origin: unknown.
Comment: This variant is considered benign. This variant occurs in the non-coding 3' untranslated region of the gene, and is not expected to impact protein function.

Quest Diagnostics Nichols Institute San Juan Capistrano
Classification: Uncertain significance. Last evaluated: 2025-04-30. Review status: criteria provided, single submitter. Criteria: Quest Diagnostics criteria. Collection method: clinical testing. Allele origin: unknown.
Comment: The SMARCA4 c.*6G>A variant has not been reported as a germline variant in individuals with SMARCA4-related conditions in the published literature. The frequency of this variant in the general population (Genome Aggregation Database) is higher than would generally be expected for pathogenic variants in this gene. Analysis of this variant using software algorithms for the prediction of the effect of nucleotide changes on splicing yielded predictions that this variant does not affect SMARCA4 mRNA splicing. Based on the available information, we are unable to determine the clinical significance of this variant.

PreventionGenetics, part of Exact Sciences
Classification: Likely benign for SMARCA4-related condition. Last evaluated: 2020-10-27. Review status: no assertion criteria provided. Collection method: clinical testing. Allele origin: germline. Not counted in ClinVar's aggregate classification.
Comment: This variant is classified as likely benign based on ACMG/AMP sequence variant interpretation guidelines (Richards et al. 2015 PMID: 25741868, with internal and published modifications).

Literature cited by the submitters: PubMed 38565644 (cited by Quest Diagnostics Nichols Institute San Juan Capistrano).

NM_003072.5(SMARCA4):c.*6G>A

Gene: SMARCA4 (SWI/SNF related BAF chromatin remodeling complex subunit ATPase 4; plus strand). Cytogenetic location: 19p13.2.
Variant type: single nucleotide variant.
Coding change: c.*6G>A on transcript NM_003072.5 (MANE Select); 6 bases downstream of the stop codon, G replaced by A.
Molecular consequence: 3 prime UTR variant. On other transcripts: non-coding transcript variant (1).
Genome position (GRCh38, 1-based): chr19:11,061,822, G>A. VCF-style: chr19-11061822-G-A. GRCh37 (hg19) VCF-style: chr19-11172498-G-A.
Other names: c.*6G>A (NM_001128844.3, NM_001128845.2, NM_001128846.2 and 6 more transcripts).
Identifiers: ClinVar variation 3032754 (VCV003032754.4), dbSNP rs761244906, ClinGen allele CA9204926.